The following is an entry in ClinVar:

ClinVar aggregate classification (germline): Uncertain significance. Review status: criteria provided, multiple submitters, no conflicts (2 of 4 stars). 3 submissions from 3 submitters: Uncertain significance (3). Last evaluated 2024-02-22.

Conditions:
Hereditary cancer-predisposing syndrome. Also called: Neoplastic Syndromes, Hereditary; Tumor predisposition; Hereditary Cancer Syndrome; Hereditary neoplastic syndrome. Identifiers: Orphanet 140162, MedGen C0027672, MeSH D009386, MONDO:0015356.
Lynch syndrome. Identifiers: Orphanet 144, MedGen C4552100, MONDO:0005835. Disease mechanism: loss of function.
Hereditary nonpolyposis colorectal neoplasms. Identifiers: MedGen C0009405, MeSH D003123.

Submissions (3):

All of Us Research Program, National Institutes of Health
Classification: Uncertain significance for Lynch syndrome. Last evaluated: 2024-02-22. Review status: criteria provided, single submitter. Criteria: ACMG Guidelines, 2015. Collection method: clinical testing. Allele origin: germline. Inheritance: Autosomal dominant inheritance. Observed: 1 variant allele, 1 heterozygote.
Comment: This missense variant replaces aspartic acid with asparagine at codon 222 of the MSH6 protein. Computational prediction suggests that this variant may not impact protein structure and function (internally defined REVEL score threshold <= 0.5, PMID: 27666373). To our knowledge, functional studies have not been reported for this variant. This variant has not been reported in individuals affected with MSH6-related disorders in the literature. This variant has not been identified in the general population by the Genome Aggregation Database (gnomAD). The available evidence is insufficient to determine the role of this variant in disease conclusively. Therefore, this variant is classified as a Variant of Uncertain Significance.

This study involves interpretation of variants in research participants for the purpose of population health screening. Participant phenotype was not available at the time of variant classification. Additional details can be found in publication PMID: 35346344, PMCID: PMC8962531

Labcorp Genetics (formerly Invitae), Labcorp
Classification: Uncertain significance for Hereditary nonpolyposis colorectal neoplasms. Last evaluated: 2023-09-22. Review status: criteria provided, single submitter. Criteria: Invitae Variant Classification Sherloc (09022015). Collection method: clinical testing. Allele origin: germline.
Comment: ClinVar contains an entry for this variant (Variation ID: 1754687). In summary, the available evidence is currently insufficient to determine the role of this variant in disease. Therefore, it has been classified as a Variant of Uncertain Significance. Advanced modeling of protein sequence and biophysical properties (such as structural, functional, and spatial information, amino acid conservation, physicochemical variation, residue mobility, and thermodynamic stability) performed at Invitae indicates that this missense variant is not expected to disrupt MSH6 protein function. This variant has not been reported in the literature in individuals affected with MSH6-related conditions. This variant is not present in population databases (gnomAD no frequency). This sequence change replaces aspartic acid, which is acidic and polar, with asparagine, which is neutral and polar, at codon 222 of the MSH6 protein (p.Asp222Asn).

Ambry Genetics
Classification: Uncertain significance for Hereditary cancer-predisposing syndrome. Last evaluated: 2017-06-26. Review status: criteria provided, single submitter. Criteria: Ambry Variant Classification Scheme 2023. Collection method: clinical testing. Allele origin: germline.
Comment: The p.D222N variant (also known as c.664G>A), located in coding exon 4 of the MSH6 gene, results from a G to A substitution at nucleotide position 664. The aspartic acid at codon 222 is replaced by asparagine, an amino acid with highly similar properties. This amino acid position is poorly conserved in available vertebrate species. In addition, this alteration is predicted to be tolerated by in silico analysis. In addition, the CoDP in silico tool predicts this alteration to have minor impact on molecular function, with a score of 0.000 (Terui H et al. J. Biomed. Sci. 2013 Apr;20:25). Since supporting evidence is limited at this time, the clinical significance of this alteration remains unclear.

NM_000179.3(MSH6):c.664G>A (p.Asp222Asn)

Gene: MSH6 (mutS homolog 6; plus strand). Cytogenetic location: 2p16.3.
Variant type: single nucleotide variant.
Coding change: c.664G>A on transcript NM_000179.3 (MANE Select); coding-DNA position 664, G replaced by A.
Protein change: p.Asp222Asn; replaces aspartic acid 222 with asparagine.
Molecular consequence: missense variant. On other transcripts: 5 prime UTR variant (2).
Genome position (GRCh38, 1-based): chr2:47,798,647, G>A. VCF-style: chr2-47798647-G-A. GRCh37 (hg19) VCF-style: chr2-48025786-G-A.
Other names: c.274G>A, p.Asp92Asn (NM_001281492.2); c.-243G>A (NM_001281493.2, NM_001281494.2, NM_001406811.1 and 6 more transcripts); c.760G>A, p.Asp254Asn (NM_001406795.1, NM_001406802.1); c.664G>A, p.Asp222Asn (NM_001406796.1, NM_001406798.1, NM_001406800.1 and 4 more transcripts); c.367G>A, p.Asp123Asn (NM_001406797.1, NM_001406801.1, NM_001406805.1 and 10 more transcripts); c.139G>A, p.Asp47Asn (NM_001406799.1, NM_001406806.1, NM_001406807.1); c.586G>A, p.Asp196Asn (NM_001406804.1); c.670G>A, p.Asp224Asn (NM_001406813.1); and 1 more; short protein forms D224N, D92N, D123N, D47N, D166N, D196N, D222N, D254N.
Identifiers: ClinVar variation 1754687 (VCV001754687.6), dbSNP rs1669243103, ClinGen allele CA346739377.